The following is an entry in ClinVar:

ClinVar aggregate classification (germline): Uncertain significance (1 of 4 stars; one submission).

Conditions:
Glycogen storage disease IXb (GSD9B). Also called: PHOSPHORYLASE KINASE DEFICIENCY OF LIVER AND MUSCLE, AUTOSOMAL RECESSIVE; GLYCOGENOSIS OF LIVER AND MUSCLE, AUTOSOMAL RECESSIVE; GSD IXb. Identifiers: Orphanet 79240, MedGen C0543514, MONDO:0009868, OMIM 261750.

Allele frequency attached by ClinVar (database versions not stated): gnomAD exomes 0.00001.
gnomAD v4.1: 9 of 1,613,358 alleles (0.00056%); highest among the groups gnomAD compares: East Asian, 0.0022%; no homozygotes.

Submission:

Labcorp Genetics (formerly Invitae), Labcorp
Classification: Uncertain significance for Glycogen storage disease IXb. Last evaluated: 2022-07-23. Review status: criteria provided, single submitter. Criteria: Invitae Variant Classification Sherloc (09022015). Collection method: clinical testing. Allele origin: germline.
Comment: This sequence change replaces glutamic acid, which is acidic and polar, with lysine, which is basic and polar, at codon 113 of the PHKB protein (p.Glu113Lys). This variant is present in population databases (no rsID available, gnomAD 0.006%). This variant has not been reported in the literature in individuals affected with PHKB-related conditions. Algorithms developed to predict the effect of missense changes on protein structure and function are either unavailable or do not agree on the potential impact of this missense change (SIFT: "Deleterious"; PolyPhen-2: "Possibly Damaging"; Align-GVGD: "Class C0"). In summary, the available evidence is currently insufficient to determine the role of this variant in disease. Therefore, it has been classified as a Variant of Uncertain Significance.

NM_000293.3(PHKB):c.337G>A (p.Glu113Lys)

Gene: PHKB (phosphorylase kinase regulatory subunit beta; plus strand). Cytogenetic location: 16q12.1.
Variant type: single nucleotide variant.
Coding change: c.337G>A on transcript NM_000293.3 (MANE Select); coding-DNA position 337, G replaced by A.
Protein change: p.Glu113Lys; replaces glutamic acid 113 with lysine.
Molecular consequence: missense variant.
Genome position (GRCh38, 1-based): chr16:47,503,022, G>A. VCF-style: chr16-47503022-G-A. GRCh37 (hg19) VCF-style: chr16-47536933-G-A.
Other names: c.316G>A, p.Glu106Lys (NM_001031835.3); c.337G>A, p.Glu113Lys (NM_001363837.1); short protein forms E106K, E113K.
Identifiers: ClinVar variation 1953419 (VCV001953419.2), dbSNP rs1312712270, ClinGen allele CA396098974.